The following is an entry in ClinVar:

NM_031924.8(RSPH3):c.221C>G (p.Ser74Cys)

Gene: RSPH3 (radial spoke head 3; minus strand). Cytogenetic location: 6q25.3.
Variant type: single nucleotide variant.
Coding change: c.221C>G on transcript NM_031924.8 (MANE Select); coding-DNA position 221, C replaced by G.
Protein change: p.Ser74Cys; replaces serine 74 with cysteine.
Molecular consequence: missense variant. On other transcripts: non-coding transcript variant (1), intron variant (1).
Genome position (GRCh38, 1-based): chr6:158,986,405, G>C on the plus strand (C>G on the coding strand, the complement: RSPH3 is on the minus strand). VCF-style: chr6-158986405-G-C. GRCh37 (hg19) VCF-style: chr6-159407437-G-C.
Other names: c.631-3717C>G (NM_001346418.1); c.647C>G (NM_031924.4); short protein forms S74C.
Identifiers: ClinVar variation 2693983 (VCV002693983.3), dbSNP rs748305732, ClinGen allele CA4075947.

ClinVar aggregate classification (germline): Uncertain significance. Review status: criteria provided, multiple submitters, no conflicts (2 of 4 stars). 2 submissions from 2 submitters: Uncertain significance (2). Last evaluated 2024-10-26.

Conditions:
Primary ciliary dyskinesia 32. Also called: CILIARY DYSKINESIA, PRIMARY, 32, WITHOUT SITUS INVERSUS. Identifiers: Orphanet 244, MedGen C4225311, MONDO:0014657, OMIM 616481.
Inborn genetic diseases. Identifiers: MedGen C0950123, MeSH D030342.

Allele frequency attached by ClinVar (database versions not stated): gnomAD 0.00001; gnomAD exomes 0.00001; ExAC 0.00004.
gnomAD v4.1: 12 of 1,613,000 alleles (0.00074%); highest among the groups gnomAD compares: Middle Eastern, 0.016%; no homozygotes.

Submissions (2):

Labcorp Genetics (formerly Invitae), Labcorp
Classification: Uncertain significance for Primary ciliary dyskinesia 32. Last evaluated: 2024-10-26. Review status: criteria provided, single submitter. Criteria: Invitae Variant Classification Sherloc (09022015). Collection method: clinical testing. Allele origin: germline.
Comment: This sequence change replaces serine, which is neutral and polar, with cysteine, which is neutral and slightly polar, at codon 216 of the RSPH3 protein (p.Ser216Cys). This variant is present in population databases (rs748305732, gnomAD 0.003%). This variant has not been reported in the literature in individuals affected with RSPH3-related conditions. An algorithm developed to predict the effect of missense changes on protein structure and function (PolyPhen-2) suggests that this variant is likely to be disruptive. In summary, the available evidence is currently insufficient to determine the role of this variant in disease. Therefore, it has been classified as a Variant of Uncertain Significance.

Ambry Genetics
Classification: Uncertain significance for Inborn genetic diseases. Last evaluated: 2024-09-11. Review status: criteria provided, single submitter. Criteria: Ambry Variant Classification Scheme 2023. Collection method: clinical testing. Allele origin: germline.